The following is an entry in ClinVar:

ClinVar aggregate classification (germline): Uncertain significance. Review status: criteria provided, multiple submitters, no conflicts (2 of 4 stars). 2 submissions from 2 submitters: Uncertain significance (2). Last evaluated 2024-12-05.

Conditions:
Cystic fibrosis (CF). Also called: MUCOVISCIDOSIS. Identifiers: Orphanet 586, MedGen C0010674, MONDO:0009061, OMIM 219700. Disease mechanism: loss of function.

Allele frequency attached by ClinVar (database versions not stated): gnomAD 0.00001; ExAC 0.00001; gnomAD exomes below 0.00001; TOPMed 0.00001.

Submissions (2):

Ambry Genetics
Classification: Uncertain significance for Cystic fibrosis. Last evaluated: 2024-12-05. Review status: criteria provided, single submitter. Criteria: Ambry Variant Classification Scheme 2023. Collection method: clinical testing. Allele origin: germline.
Comment: The p.M1157I variant (also known as c.3471G>A), located in coding exon 22 of the CFTR gene, results from a G to A substitution at nucleotide position 3471. The methionine at codon 1157 is replaced by isoleucine, an amino acid with highly similar properties. This amino acid position is highly conserved in available vertebrate species. In addition, this alteration is predicted to be deleterious by in silico analysis. Based on the available evidence, the clinical significance of this variant remains unclear.

Labcorp Genetics (formerly Invitae), Labcorp
Classification: Uncertain significance for Cystic fibrosis. Last evaluated: 2024-08-05. Review status: criteria provided, single submitter. Criteria: Invitae Variant Classification Sherloc (09022015). Collection method: clinical testing. Allele origin: germline.
Comment: This sequence change replaces methionine, which is neutral and non-polar, with isoleucine, which is neutral and non-polar, at codon 1157 of the CFTR protein (p.Met1157Ile). This variant is present in population databases (rs770114378, gnomAD 0.006%). This variant has not been reported in the literature in individuals affected with CFTR-related conditions. ClinVar contains an entry for this variant (Variation ID: 2043198). An algorithm developed to predict the effect of missense changes on protein structure and function (PolyPhen-2) suggests that this variant is likely to be tolerated. In summary, the available evidence is currently insufficient to determine the role of this variant in disease. Therefore, it has been classified as a Variant of Uncertain Significance.

NM_000492.4(CFTR):c.3471G>A (p.Met1157Ile)

Genes: CFTR (CF transmembrane conductance regulator; plus strand), CFTR-AS2 (CFTR antisense RNA 2; minus strand). Cytogenetic location: 7q31.2.
Variant type: single nucleotide variant.
Coding change: c.3471G>A on transcript NM_000492.4 (MANE Select); coding-DNA position 3471, G replaced by A.
Protein change: p.Met1157Ile; replaces methionine 1157 with isoleucine.
Molecular consequence: missense variant.
Genome position (GRCh38, 1-based): chr7:117,627,524, G>A. VCF-style: chr7-117627524-G-A. GRCh37 (hg19) VCF-style: chr7-117267578-G-A.
Other names: short protein forms M1157I.
Identifiers: ClinVar variation 2043198 (VCV002043198.4), dbSNP rs770114378, ClinGen allele CA4451482.